The following is an entry in ClinVar:

ClinVar aggregate classification (germline): Uncertain significance (1 of 4 stars; one submission).

Submission:

GeneDx
Classification: Uncertain significance. Last evaluated: 2023-12-21. Review status: criteria provided, single submitter. Criteria: GeneDx Variant Classification Process June 2021. Collection method: clinical testing. Allele origin: germline. Affected: yes.
Comment: Frameshift variant predicted to result in protein truncation or nonsense mediated decay in a gene or region of a gene for which loss of function is not a well-established mechanism of disease; Not observed at significant frequency in large population cohorts (gnomAD); Has not been previously published as pathogenic or benign to our knowledge

NM_001367479.1(DNAH14):c.207_208del (p.Lys70fs)

Gene: DNAH14 (dynein axonemal heavy chain 14; plus strand). Cytogenetic location: 1q42.12.
Variant type: Microsatellite.
Coding change: c.207_208del on transcript NM_001367479.1 (MANE Select); coding-DNA positions 207 to 208, 2 bases deleted (GA; older notation c.207_208delGA).
Protein change: p.Lys70fs; shifts the reading frame from lysine 70.
Molecular consequence: frameshift variant.
Genome position (GRCh38, 1-based): chr1:224,955,088-224,955,089, GA deleted; deleting any 2 consecutive bases within chr1:224,955,085-224,955,089 gives the same sequence; the c. name uses the placement nearest the transcript's 3' end. VCF-style (leftmost placement, unchanged base first): chr1-224955084-CAG-C. GRCh37 (hg19) VCF-style: chr1-225142786-CAG-C.
Other names: NM_001373.1:c.207_208del; c.207_208del, p.Lys70fs (NM_001145154.3, NM_001349911.2, NM_001349912.2 and 2 more transcripts); short protein forms K70fs.
Identifiers: ClinVar variation 3365856 (VCV003365856.1).